The following is an entry in ClinVar:

ClinVar aggregate classification (germline): Pathogenic. Review status: criteria provided, multiple submitters, no conflicts (2 of 4 stars). 8 submissions from 8 submitters: Pathogenic (6). 2 of the submissions do not count toward it. Last evaluated 2025-09-24.

Conditions:
LAMA2-related disorder. Also called: LAMA2-related disorders; LAMA2-related condition.
LAMA2-related muscular dystrophy (LAMA2-RD). Also called: Laminin alpha 2-related dystrophy. Identifiers: MedGen C5679788, MONDO:0100228.
Merosin deficient congenital muscular dystrophy (MDC1A). Also called: Congenital Muscular Dystrophy Type 1A (MDC1A); Congenital merosin-deficient muscular dystrophy 1A. Identifiers: Orphanet 258, MedGen C1263858, MONDO:0011925, OMIM 607855.

Allele frequency attached by ClinVar (database versions not stated): TOPMed 0.00001; ExAC 0.00001; gnomAD exomes 0.00001.
gnomAD v4.1: 7 of 1,614,108 alleles (0.00043%); highest among the groups gnomAD compares: Non-Finnish European, 0.00059%; no homozygotes.

Submissions (8):

3billion
Classification: Pathogenic for Merosin deficient congenital muscular dystrophy. Last evaluated: 2025-09-24. Review status: criteria provided, single submitter. Criteria: ACMG Guidelines, 2015. Collection method: clinical testing. Allele origin: germline. Affected: yes.
Comment: The variant is observed at an extremely low frequency in the gnomAD v4.1.0 dataset (total allele frequency: <0.001%). Predicted Consequence/Location: Stop-gained (nonsense): predicted to result in a loss or disruption of normal protein function through nonsense-mediated decay (NMD) or protein truncation. Multiple pathogenic variants are reported downstream of the variant. The variant has been reported at least twice as pathogenic with clinical assertions and evidence for the classification (ClinVar ID: VCV000014301 /PMID: 9541105 /3billion dataset). Therefore, this variant is classified as Pathogenic according to the recommendation of ACMG/AMP guideline.

Blueprint Genetics
Classification: Pathogenic for LAMA2-related disorders. Last evaluated: 2024-11-06. Review status: criteria provided, single submitter. Criteria: ACMG Guidelines, 2015. Collection method: clinical testing. Allele origin: germline. Affected: yes. Observed: 5 variant alleles.

Baylor Genetics
Classification: Pathogenic for Merosin deficient congenital muscular dystrophy. Last evaluated: 2024-03-24. Review status: criteria provided, single submitter. Criteria: ACMG Guidelines, 2015. Collection method: clinical testing. Allele origin: unknown.

Labcorp Genetics (formerly Invitae), Labcorp
Classification: Pathogenic for LAMA2-related muscular dystrophy. Last evaluated: 2023-04-28. Review status: criteria provided, single submitter. Criteria: Invitae Variant Classification Sherloc (09022015). Collection method: clinical testing. Allele origin: germline.
Comment: For these reasons, this variant has been classified as Pathogenic. ClinVar contains an entry for this variant (Variation ID: 14301). This premature translational stop signal has been observed in individuals with autosomal recessive congenital muscular dystrophy (PMID: 9541105, 16216942, 30055037, 30147969). This variant is present in population databases (rs121913577, gnomAD 0.002%). This sequence change creates a premature translational stop signal (p.Cys967*) in the LAMA2 gene. It is expected to result in an absent or disrupted protein product. Loss-of-function variants in LAMA2 are known to be pathogenic (PMID: 18700894, 32904964).

Centre for Mendelian Genomics, University Medical Centre Ljubljana
Classification: Pathogenic for Merosin deficient congenital muscular dystrophy. Last evaluated: 2020-03-23. Review status: criteria provided, single submitter. Criteria: ACMG Guidelines, 2015. Collection method: clinical testing. Allele origin: unknown. Affected: yes.
Comment: This variant was classified as: Pathogenic. The following ACMG criteria were applied in classifying this variant: PVS1,PS4,PM2,PP4.

CeGaT Center for Human Genetics Tuebingen
Classification: Pathogenic. Last evaluated: 2018-02-01. Review status: criteria provided, single submitter. Criteria: CeGaT Center For Human Genetics Tuebingen Variant Classification Criteria Version 2. Collection method: clinical testing. Allele origin: germline. Affected: yes. Observed: 2 variant alleles.

OMIM
Classification: Pathogenic for MUSCULAR DYSTROPHY, CONGENITAL MEROSIN-DEFICIENT. Last evaluated: 2005-10-01. Review status: no assertion criteria provided. Collection method: literature only. Allele origin: germline. Not counted in ClinVar's aggregate classification.

GeneReviews
No classification provided. Condition: Merosin deficient congenital muscular dystrophy. Review status: no classification provided. Collection method: literature only. Allele origin: unknown. Not counted in ClinVar's aggregate classification.

Literature cited by the submitters: PubMed 9541105 (cited by 3 submitters); PubMed 16216942 (cited by Labcorp Genetics (formerly Invitae), Labcorp and OMIM); PubMed 30055037 (cited by Labcorp Genetics (formerly Invitae), Labcorp); PubMed 30147969 (cited by Labcorp Genetics (formerly Invitae), Labcorp); PubMed 18700894 (cited by Labcorp Genetics (formerly Invitae), Labcorp); PubMed 32904964 (cited by Labcorp Genetics (formerly Invitae), Labcorp); PubMed 22675738 (cited by GeneReviews); NCBI Bookshelf NBK97333 (cited by GeneReviews).

NM_000426.4(LAMA2):c.2901C>A (p.Cys967Ter)

Gene: LAMA2 (laminin subunit alpha 2; plus strand). Cytogenetic location: 6q22.33.
Variant type: single nucleotide variant.
Coding change: c.2901C>A on transcript NM_000426.4 (MANE Select); coding-DNA position 2901, C replaced by A.
Protein change: p.Cys967Ter; replaces cysteine 967 with a stop codon.
Molecular consequence: nonsense.
Genome position (GRCh38, 1-based): chr6:129,297,729, C>A. VCF-style: chr6-129297729-C-A. GRCh37 (hg19) VCF-style: chr6-129618874-C-A.
Other names: c.2901C>A, p.Cys967Ter (NM_001079823.2); short protein forms C967*.
Identifiers: ClinVar variation 14301 (VCV000014301.57), dbSNP rs121913577, ClinGen allele CA341325.